The following is an entry in ClinVar:

ClinVar aggregate classification (germline): Uncertain significance. Review status: criteria provided, multiple submitters, no conflicts (2 of 4 stars). 2 submissions from 2 submitters: Uncertain significance (2). Last evaluated 2026-07-30.

Conditions:
Hereditary cancer-predisposing syndrome. Also called: Tumor predisposition; Hereditary Cancer Syndrome; Hereditary neoplastic syndrome; Neoplastic Syndromes, Hereditary. Identifiers: Orphanet 140162, MedGen C0027672, MeSH D009386, MONDO:0015356.

Submissions (2):

Ambry Genetics
Classification: Uncertain significance for Hereditary cancer-predisposing syndrome. Last evaluated: 2026-07-30. Review status: criteria provided, single submitter. Criteria: Ambry Variant Classification Scheme 2023. Collection method: clinical testing. Allele origin: germline.
Comment: The c.651_666del16 variant, located in coding exon 2 of the HOXB13 gene, results from a deletion of 16 nucleotides at nucleotide positions 651 to 666, causing a translational frameshift with a predicted alternate stop codon (p.K218Tfs*56). This variant occurs at the 3' terminus of the gene and is not expected to trigger nonsense-mediated mRNA decay. Based on the available evidence, the clinical significance of this variant remains unclear.

Labcorp Genetics (formerly Invitae), Labcorp
Classification: Uncertain significance. Last evaluated: 2024-07-30. Review status: criteria provided, single submitter. Criteria: Invitae Variant Classification Sherloc (09022015). Collection method: clinical testing. Allele origin: germline.
Comment: This sequence change creates a premature translational stop signal (p.Lys218Thrfs*56) in the HOXB13 gene. While this is not anticipated to result in nonsense mediated decay, it is expected to disrupt the last 67 amino acid(s) of the HOXB13 protein. This variant is not present in population databases (gnomAD no frequency). This variant has not been reported in the literature in individuals affected with HOXB13-related conditions. ClinVar contains an entry for this variant (Variation ID: 1016488). Experimental studies and prediction algorithms are not available or were not evaluated, and the functional significance of this variant is currently unknown. In summary, the available evidence is currently insufficient to determine the role of this variant in disease. Therefore, it has been classified as a Variant of Uncertain Significance.

NM_006361.6(HOXB13):c.651_666del (p.Lys218fs)

Gene: HOXB13 (homeobox B13; minus strand). Cytogenetic location: 17q21.32.
Variant type: Deletion.
Coding change: c.651_666del on transcript NM_006361.6 (MANE Select); coding-DNA positions 651 to 666, 16 bases deleted (CAAGAAACGCATTCCG).
Protein change: p.Lys218fs; shifts the reading frame from lysine 218.
Molecular consequence: frameshift variant.
Genome position (GRCh38, 1-based): chr17:48,726,979-48,726,994, CGGAATGCGTTTCTTG deleted on the plus strand (CAAGAAACGCATTCCG on the coding strand, the reverse complement: HOXB13 is on the minus strand); deleting any 16 consecutive bases within chr17:48,726,979-48,726,997 gives the same sequence; the c. name uses the placement nearest the transcript's 3' end. VCF-style (leftmost placement, unchanged base first): chr17-48726978-ACGGAATGCGTTTCTTG-A. GRCh37 (hg19) VCF-style: chr17-46804340-ACGGAATGCGTTTCTTG-A.
Other names: c.651_666del16 (NM_006361.5); short protein forms K218fs.
Identifiers: ClinVar variation 1016488 (VCV001016488.7), dbSNP rs2038218404, ClinGen allele CA2263241915.